The following is an entry in ClinVar:

NM_000535.7(PMS2):c.688G>C (p.Val230Leu)

Gene: PMS2 (PMS1 homolog 2, mismatch repair system component; minus strand). Cytogenetic location: 7p22.1.
Variant type: single nucleotide variant.
Coding change: c.688G>C on transcript NM_000535.7 (MANE Select); coding-DNA position 688, G replaced by C.
Protein change: p.Val230Leu; replaces valine 230 with leucine.
Molecular consequence: missense variant. On other transcripts: 5 prime UTR variant (2), non-coding transcript variant (1), intron variant (1).
Genome position (GRCh38, 1-based): chr7:5,999,125, C>G on the plus strand (G>C on the coding strand, the complement: PMS2 is on the minus strand). VCF-style: chr7-5999125-C-G. GRCh37 (hg19) VCF-style: chr7-6038756-C-G.
Other names: c.283G>C, p.Val95Leu (NM_001018040.1, NM_001322003.2, NM_001322004.2 and 20 more transcripts); c.688G>C, p.Val230Leu (NM_001322006.2, NM_001322014.2, NM_001406870.1 and 4 more transcripts); c.370G>C, p.Val124Leu (NM_001322007.2, NM_001322008.2, NM_001406876.1 and 4 more transcripts); c.-246G>C (NM_001322011.2, NM_001322012.2); c.379G>C, p.Val127Leu (NM_001322015.2, NM_001406875.1, NM_001406877.1 and 6 more transcripts); c.874G>C, p.Val292Leu (NM_001406866.1); c.712G>C, p.Val238Leu (NM_001406868.1); c.352G>C, p.Val118Leu (NM_001406885.1); and 1 more; short protein forms V127L, V292L, V118L, V230L, V238L, V95L, V124L.
Identifiers: ClinVar variation 1755995 (VCV001755995.3), dbSNP rs1562677528, ClinGen allele CA366743844.

ClinVar aggregate classification (germline): Uncertain significance. Review status: criteria provided, multiple submitters, no conflicts (2 of 4 stars). 2 submissions from 2 submitters: Uncertain significance (2). Last evaluated 2025-03-26.

Conditions:
Hereditary nonpolyposis colorectal neoplasms. Identifiers: MedGen C0009405, MeSH D003123.
Hereditary cancer-predisposing syndrome. Also called: Neoplastic Syndromes, Hereditary; Tumor predisposition; Hereditary Cancer Syndrome; Hereditary neoplastic syndrome. Identifiers: Orphanet 140162, MedGen C0027672, MeSH D009386, MONDO:0015356.

Submissions (2):

Labcorp Genetics (formerly Invitae), Labcorp
Classification: Uncertain significance for Hereditary nonpolyposis colorectal neoplasms. Last evaluated: 2025-03-26. Review status: criteria provided, single submitter. Criteria: Invitae Variant Classification Sherloc (09022015). Collection method: clinical testing. Allele origin: germline.
Comment: This sequence change replaces valine, which is neutral and non-polar, with leucine, which is neutral and non-polar, at codon 230 of the PMS2 protein (p.Val230Leu). This variant is not present in population databases (gnomAD no frequency). This variant has not been reported in the literature in individuals affected with PMS2-related conditions. ClinVar contains an entry for this variant (Variation ID: 1755995). Invitae Evidence Modeling incorporating data from in vitro experimental studies (internal data) indicates that this missense variant is not expected to disrupt PMS2 function with a negative predictive value of 95%. In summary, the available evidence is currently insufficient to determine the role of this variant in disease. Therefore, it has been classified as a Variant of Uncertain Significance.

Ambry Genetics
Classification: Uncertain significance for Hereditary cancer-predisposing syndrome. Last evaluated: 2021-06-04. Review status: criteria provided, single submitter. Criteria: Ambry Variant Classification Scheme 2023. Collection method: clinical testing. Allele origin: germline.
Comment: The p.V230L variant (also known as c.688G>C), located in coding exon 6 of the PMS2 gene, results from a G to C substitution at nucleotide position 688. The valine at codon 230 is replaced by leucine, an amino acid with highly similar properties. This amino acid position is well conserved in available vertebrate species. In addition, the in silico prediction for this alteration is inconclusive. Since supporting evidence is limited at this time, the clinical significance of this alteration remains unclear.